The following is an entry in ClinVar:

ClinVar aggregate classification (germline): Uncertain significance (1 of 4 stars; one submission).

Conditions:
Hereditary cancer-predisposing syndrome. Also called: Hereditary Cancer Syndrome; Neoplastic Syndromes, Hereditary; Tumor predisposition; Hereditary neoplastic syndrome. Identifiers: Orphanet 140162, MedGen C0027672, MeSH D009386, MONDO:0015356.

Allele frequency attached by ClinVar (database versions not stated): gnomAD exomes below 0.00001.
gnomAD v4.1: 1 of 1,613,978 alleles (0.000062%); highest among the groups gnomAD compares: South Asian, 0.0011%; no homozygotes.

Submission:

Ambry Genetics
Classification: Uncertain significance for Hereditary cancer-predisposing syndrome. Last evaluated: 2020-09-24. Review status: criteria provided, single submitter. Criteria: Ambry Variant Classification Scheme 2023. Collection method: clinical testing. Allele origin: germline.
Comment: The p.E1685G variant (also known as c.5054A>G), located in coding exon 15 of the APC gene, results from an A to G substitution at nucleotide position 5054. The glutamic acid at codon 1685 is replaced by glycine, an amino acid with similar properties. This amino acid position is highly conserved in available vertebrate species. In addition, in silico predictors for this gene do not accurately predict pathogenicity. Since supporting evidence is limited at this time, the clinical significance of this alteration remains unclear.

NM_000038.6(APC):c.5054A>G (p.Glu1685Gly)

Gene: APC (APC regulator of Wnt signaling pathway; plus strand). Cytogenetic location: 5q22.2.
Variant type: single nucleotide variant.
Coding change: c.5054A>G on transcript NM_000038.6 (MANE Select); coding-DNA position 5054, A replaced by G.
Protein change: p.Glu1685Gly; replaces glutamic acid 1685 with glycine.
Molecular consequence: missense variant.
Genome position (GRCh38, 1-based): chr5:112,840,648, A>G. VCF-style: chr5-112840648-A-G. GRCh37 (hg19) VCF-style: chr5-112176345-A-G.
Other names: c.5054A>G, p.Glu1685Gly (NM_001127510.3, NM_001354895.2, NM_001407450.1); c.5000A>G, p.Glu1667Gly (NM_001127511.3); c.5108A>G, p.Glu1703Gly (NM_001354896.2, NM_001407447.1, NM_001407448.1 and 1 more transcripts); c.5084A>G, p.Glu1695Gly (NM_001354897.2); c.4979A>G, p.Glu1660Gly (NM_001354898.2); c.4970A>G, p.Glu1657Gly (NM_001354899.2); c.4931A>G, p.Glu1644Gly (NM_001354900.2); c.4877A>G, p.Glu1626Gly (NM_001354901.2, NM_001407453.1); and 11 more; short protein forms E1402G, E1525G, E1594G, E1602G, E1644G, E1667G, E1301G, E1678G.
Identifiers: ClinVar variation 1745057 (VCV001745057.2), dbSNP rs1194465545, ClinGen allele CA16032385.